The following is an entry in ClinVar:

NM_004171.4(SLC1A2):c.1178G>A (p.Gly393Glu)

Gene: SLC1A2 (solute carrier family 1 member 2; minus strand). Cytogenetic location: 11p13.
Variant type: single nucleotide variant.
Coding change: c.1178G>A on transcript NM_004171.4 (MANE Select); coding-DNA position 1178, G replaced by A.
Protein change: p.Gly393Glu; replaces glycine 393 with glutamic acid.
Molecular consequence: missense variant.
Genome position (GRCh38, 1-based): chr11:35,286,865, C>T on the plus strand (G>A on the coding strand, the complement: SLC1A2 is on the minus strand). VCF-style: chr11-35286865-C-T. GRCh37 (hg19) VCF-style: chr11-35308412-C-T.
Other names: c.1151G>A, p.Gly384Glu (NM_001195728.3, NM_001252652.2); short protein forms G384E, G393E.
Identifiers: ClinVar variation 4072705 (VCV004072705.1).

ClinVar aggregate classification (germline): Uncertain significance (1 of 4 stars; one submission).

Submission:

GeneDx
Classification: Uncertain significance. Last evaluated: 2025-01-30. Review status: criteria provided, single submitter. Criteria: GeneDx Variant Classification Process June 2021. Collection method: clinical testing. Allele origin: germline. Affected: yes.
Comment: Not observed at significant frequency in large population cohorts (gnomAD); In silico analysis supports that this missense variant has a deleterious effect on protein structure/function; Has not been previously published as pathogenic or benign to our knowledge